The following is an entry in ClinVar:

ClinVar aggregate classification (germline): Uncertain significance (1 of 4 stars; one submission).

Submission:

GeneDx
Classification: Uncertain significance. Last evaluated: 2026-04-28. Review status: criteria provided, single submitter. Criteria: GeneDx Variant Classification Process June 2021. Collection method: clinical testing. Allele origin: germline.
Comment: Not observed at significant frequency in large population cohorts (gnomAD); In silico analysis supports that this missense variant has a deleterious effect on protein structure/function; Has not been previously published as pathogenic or benign to our knowledge

NM_002430.3(MN1):c.3820C>G (p.Pro1274Ala)

Gene: MN1 (MN1 proto-oncogene, transcriptional regulator; minus strand). Cytogenetic location: 22q12.1.
Variant type: single nucleotide variant.
Coding change: c.3820C>G on transcript NM_002430.3 (MANE Select); coding-DNA position 3820, C replaced by G.
Protein change: p.Pro1274Ala; replaces proline 1274 with alanine.
Molecular consequence: missense variant.
Genome position (GRCh38, 1-based): chr22:27,751,058, G>C on the plus strand (C>G on the coding strand, the complement: MN1 is on the minus strand). VCF-style: chr22-27751058-G-C. GRCh37 (hg19) VCF-style: chr22-28147046-G-C.
Other names: short protein forms P1274A.
Identifiers: ClinVar variation 3898877 (VCV003898877.2).
Genomic context (GRCh38, chr22:27,751,058, plus strand): 5'-CCTTGGCGTCACCCACGTCGTCTGTGCAGTGGACAGACAGGCACTGCAAGTGGCTGCCAG[G>C]CTGGGATGCTGAGGCCTTGTTTGCAGGGAGGTCGTGGGCTGTGGAGAGAGAAGGAAGAGA-3'
Protein context (NP_002421.3, residues 1264-1284): LPANKASASQ[Pro1274Ala]GSHLQCLSVH